The following is an entry in ClinVar:

ClinVar aggregate classification (germline): Uncertain significance. Review status: criteria provided, multiple submitters, no conflicts (2 of 4 stars). 3 submissions from 3 submitters: Uncertain significance (3). Last evaluated 2025-09-02.

Conditions:
Orofaciodigital syndrome I (OFD1). Also called: Oral-Facial-Digital Syndrome Type I; Papillon-Leage and Psaume Syndrome; OFDS I. Identifiers: Orphanet 2750, MedGen C1510460, MONDO:0010702, OMIM 311200.
Joubert syndrome. Also called: JOUBERT-BOLTSHAUSER SYNDROME; Familial aplasia of the vermis. Identifiers: Orphanet 475, MedGen C5979921, MONDO:0018772.

Allele frequency attached by ClinVar (database versions not stated): gnomAD exomes below 0.00001; ESP Exome Variant Server 0.00009.
gnomAD v4.1: 5 of 1,211,921 alleles (0.00041%); highest among the groups gnomAD compares: Non-Finnish European, 0.00056%; no homozygotes.

Submissions (3):

Labcorp Genetics (formerly Invitae), Labcorp
Classification: Uncertain significance for Orofaciodigital syndrome I; Joubert syndrome. Last evaluated: 2025-09-02. Review status: criteria provided, single submitter. Criteria: Invitae Variant Classification Sherloc (09022015). Collection method: clinical testing. Allele origin: germline.
Comment: This sequence change replaces asparagine, which is neutral and polar, with serine, which is neutral and polar, at codon 610 of the OFD1 protein (p.Asn610Ser). This variant is not present in population databases (gnomAD no frequency). This variant has not been reported in the literature in individuals affected with OFD1-related conditions. ClinVar contains an entry for this variant (Variation ID: 1337375). Invitae Evidence Modeling of protein sequence and biophysical properties (such as structural, functional, and spatial information, amino acid conservation, physicochemical variation, residue mobility, and thermodynamic stability) indicates that this missense variant is not expected to disrupt OFD1 protein function with a negative predictive value of 80%. In summary, the available evidence is currently insufficient to determine the role of this variant in disease. Therefore, it has been classified as a Variant of Uncertain Significance.

CeGaT Center for Human Genetics Tuebingen
Classification: Uncertain significance. Last evaluated: 2024-08-01. Review status: criteria provided, single submitter. Criteria: CeGaT Center For Human Genetics Tuebingen Variant Classification Criteria Version 2. Collection method: clinical testing. Allele origin: germline. Affected: yes. Observed: 1 variant allele.
Comment: OFD1: PM2, BP4

Genetic Services Laboratory, University of Chicago
Classification: Uncertain significance. Last evaluated: 2019-09-19. Review status: criteria provided, single submitter. Criteria: ACMG Guidelines, 2015. Collection method: clinical testing. Allele origin: germline. Affected: no.

NM_003611.3(OFD1):c.1829A>G (p.Asn610Ser)

Gene: OFD1 (OFD1 centriole and centriolar satellite protein; plus strand). Cytogenetic location: Xp22.2.
Variant type: single nucleotide variant.
Coding change: c.1829A>G on transcript NM_003611.3 (MANE Select); coding-DNA position 1829, A replaced by G.
Protein change: p.Asn610Ser; replaces asparagine 610 with serine.
Molecular consequence: missense variant.
Genome position (GRCh38, 1-based): chrX:13,760,289, A>G. VCF-style: chrX-13760289-A-G. GRCh37 (hg19) VCF-style: chrX-13778408-A-G.
Other names: c.1709A>G, p.Asn570Ser (NM_001330209.2); c.1409A>G, p.Asn470Ser (NM_001330210.2); short protein forms N470S, N570S, N610S.
Identifiers: ClinVar variation 1337375 (VCV001337375.23), dbSNP rs373706613, ClinGen allele CA326120323.